The following is an entry in ClinVar:

ClinVar aggregate classification (germline): Uncertain significance (1 of 4 stars; one submission).

gnomAD v4.1: 3 of 1,614,134 alleles (0.00019%); highest among the groups gnomAD compares: Non-Finnish European, 0.00025%; no homozygotes.

Submission:

Women's Health and Genetics/Laboratory Corporation of America, LabCorp
Classification: Uncertain significance. Last evaluated: 2025-09-10. Review status: criteria provided, single submitter. Criteria: LabCorp Variant Classification Summary - May 2015. Collection method: clinical testing. Allele origin: germline.
Comment: Variant summary: MARS1 c.1571G>C (p.Gly524Ala) results in a non-conservative amino acid change in the encoded protein sequence. Algorithms developed to predict the effect of missense changes on protein structure and function are either unavailable or do not agree on the potential impact of this missense change. The variant allele was found at a frequency of 8e-06 in 251450 control chromosomes. The available data on variant occurrences in the general population are insufficient to allow any conclusion about variant significance. To our knowledge, no occurrence of c.1571G>C in individuals affected with MARS1-related conditions and no experimental evidence demonstrating its impact on protein function have been reported. No submitters have cited clinical-significance assessments for this variant to ClinVar. Based on the evidence outlined above, the variant was classified as uncertain significance.

NM_004990.4(MARS1):c.1571G>C (p.Gly524Ala)

Gene: MARS1 (methionyl-tRNA synthetase 1; plus strand). Cytogenetic location: 12q13.3.
Variant type: single nucleotide variant.
Coding change: c.1571G>C on transcript NM_004990.4 (MANE Select); coding-DNA position 1571, G replaced by C.
Protein change: p.Gly524Ala; replaces glycine 524 with alanine.
Molecular consequence: missense variant.
Genome position (GRCh38, 1-based): chr12:57,512,039, G>C. VCF-style: chr12-57512039-G-C. GRCh37 (hg19) VCF-style: chr12-57905822-G-C.
Other names: short protein forms G524A.
Identifiers: ClinVar variation 4535608 (VCV004535608.1).